The following is an entry in ClinVar:

NM_000059.4(BRCA2):c.9256+5598A>G

Gene: BRCA2 (BRCA2 DNA repair associated; plus strand). Cytogenetic location: 13q13.1.
Variant type: single nucleotide variant.
Coding change: c.9256+5598A>G on transcript NM_000059.4 (MANE Select); 5598 bases into the intron after coding-DNA position 9256, A replaced by G.
Molecular consequence: intron variant.
Genome position (GRCh38, 1-based): chr13:32,385,743, A>G. VCF-style: chr13-32385743-A-G. GRCh37 (hg19) VCF-style: chr13-32959880-A-G.
Identifiers: ClinVar variation 264969 (VCV000264969.1), dbSNP rs551798807, ClinGen allele CA10588161.

ClinVar aggregate classification (germline): Benign (3 of 4 stars; one submission).

Conditions:
Breast-ovarian cancer, familial, susceptibility to, 2 (BROVCA2). Also called: BRCA2 Hereditary Breast and Ovarian Cancer. Identifiers: Orphanet 145, MedGen C2675520, MONDO:0012933, OMIM 612555. Disease mechanism: loss of function.

Allele frequency attached by ClinVar (database versions not stated): gnomAD 0.00007 and 0.00035; TOPMed 0.00014; gnomAD exomes 0.00060; 1000 Genomes Project 0.00220; 1000 Genomes Project 30x 0.00234.
gnomAD v4.1: 73 of 187,594 alleles (0.039%); highest among the groups gnomAD compares: South Asian, 0.79%; 1 homozygote.

Submission:

Evidence-based Network for the Interpretation of Germline Mutant Alleles (ENIGMA)
Classification: Benign for Breast-ovarian cancer, familial, susceptibility to, 2. Last evaluated: 2016-09-28. Review status: reviewed by expert panel. Criteria: ENIGMA BRCA1/2 Classification Criteria (2015). Collection method: curation. Allele origin: germline.
Comment: Class 1 not pathogenic based on frequency >1% in an outbred sampleset. Frequency 0.0112 (South Asian), derived from 1000 genomes (2013-05-02).